The following is an entry in ClinVar:

ClinVar aggregate classification (germline): Uncertain significance (1 of 4 stars; one submission).

Conditions:
Inborn genetic diseases. Identifiers: MedGen C0950123, MeSH D030342.

gnomAD v4.1: 39 of 1,608,300 alleles (0.0024%); highest among the groups gnomAD compares: Non-Finnish European, 0.0033%; no homozygotes.

Submission:

Ambry Genetics
Classification: Uncertain significance for Inborn genetic diseases. Last evaluated: 2025-05-31. Review status: criteria provided, single submitter. Criteria: Ambry Variant Classification Scheme 2023. Collection method: clinical testing. Allele origin: germline.
Comment: The p.R23K variant (also known as c.68G>A), located in coding exon 2 of the ERCC6L2 gene, results from a G to A substitution at nucleotide position 68. The arginine at codon 23 is replaced by lysine, an amino acid with highly similar properties. This amino acid position is conserved. In addition, this alteration is predicted to be tolerated by in silico analysis. Based on the available evidence, the clinical significance of this variant remains unclear.

NM_020207.7(ERCC6L2):c.68G>A (p.Arg23Lys)

Gene: ERCC6L2 (ERCC excision repair 6 like 2; plus strand). Cytogenetic location: 9q22.32.
Variant type: single nucleotide variant.
Coding change: c.68G>A on transcript NM_020207.7 (MANE Select); coding-DNA position 68, G replaced by A.
Protein change: p.Arg23Lys; replaces arginine 23 with lysine.
Molecular consequence: missense variant. On other transcripts: non-coding transcript variant (1).
Genome position (GRCh38, 1-based): chr9:95,880,890, G>A. VCF-style: chr9-95880890-G-A. GRCh37 (hg19) VCF-style: chr9-98643172-G-A.
Other names: c.68G>A, p.Arg23Lys (NM_001010895.4, NM_001375291.1, NM_001375292.1 and 2 more transcripts); short protein forms R23K.
Identifiers: ClinVar variation 4019388 (VCV004019388.1).